The following is an entry in ClinVar:

ClinVar aggregate classification (germline): Uncertain significance (1 of 4 stars; one submission).

Submission:

Labcorp Genetics (formerly Invitae), Labcorp
Classification: Uncertain significance. Last evaluated: 2024-03-08. Review status: criteria provided, single submitter. Criteria: Invitae Variant Classification Sherloc (09022015). Collection method: clinical testing. Allele origin: germline.
Comment: This variant, c.1085_1105del, results in the deletion of 7 amino acid(s) of the PLEKHM2 protein (p.Arg362_Met368del), but otherwise preserves the integrity of the reading frame. This variant is present in population databases (rs771085542, gnomAD 0.003%). This variant has not been reported in the literature in individuals affected with PLEKHM2-related conditions. ClinVar contains an entry for this variant (Variation ID: 2185751). Experimental studies and prediction algorithms are not available or were not evaluated, and the functional significance of this variant is currently unknown. In summary, the available evidence is currently insufficient to determine the role of this variant in disease. Therefore, it has been classified as a Variant of Uncertain Significance.

NM_015164.4(PLEKHM2):c.1085_1105del (p.Arg362_Met368del)

Gene: PLEKHM2 (pleckstrin homology and RUN domain containing M2; plus strand). Cytogenetic location: 1p36.21.
Variant type: Deletion.
Coding change: c.1085_1105del on transcript NM_015164.4 (MANE Select); coding-DNA positions 1085 to 1105, 21 bases deleted (GGGACTCGCCAGACACTATGC).
Protein change: p.Arg362_Met368del.
Molecular consequence: inframe deletion. On other transcripts: inframe indel (1).
Genome position (GRCh38, 1-based): chr1:15,727,157-15,727,177, GGGACTCGCCAGACACTATGC deleted; deleting any 21 consecutive bases within chr1:15,727,155-15,727,177 gives the same sequence; the c. name uses the placement nearest the transcript's 3' end. VCF-style (leftmost placement, unchanged base first): chr1-15727154-GGCGGGACTCGCCAGACACTAT-G. GRCh37 (hg19) VCF-style: chr1-16053649-GGCGGGACTCGCCAGACACTAT-G.
Other names: c.1025_1045del21, p.Arg342_Met348del (NM_001410755.1).
Identifiers: ClinVar variation 2185751 (VCV002185751.4), dbSNP rs771085542, ClinGen allele CA616846.